The following is an entry in ClinVar:

ClinVar aggregate classification (germline): Uncertain significance. Review status: criteria provided, multiple submitters, no conflicts (2 of 4 stars). 2 submissions from 2 submitters: Uncertain significance (2). Last evaluated 2026-05-24.

Conditions:
Inborn genetic diseases. Identifiers: MedGen C0950123, MeSH D030342.
Fanconi anemia (FA). Also called: Fanconi's anemia. Identifiers: Orphanet 84, MedGen C0015625, MeSH D005199, MONDO:0019391.

Submissions (2):

Ambry Genetics
Classification: Uncertain significance for Inborn genetic diseases. Last evaluated: 2026-05-24. Review status: criteria provided, single submitter. Criteria: Ambry Variant Classification Scheme 2023. Collection method: clinical testing. Allele origin: germline.
Comment: The p.S165T variant (also known as c.493T>A), located in coding exon 5 of the FANCA gene, results from a T to A substitution at nucleotide position 493. The serine at codon 165 is replaced by threonine, an amino acid with similar properties. This amino acid position is conserved. In addition, this alteration is predicted to be tolerated by in silico analysis. Based on the available evidence, the clinical significance of this variant remains unclear.

Labcorp Genetics (formerly Invitae), Labcorp
Classification: Uncertain significance for Fanconi anemia. Last evaluated: 2021-08-28. Review status: criteria provided, single submitter. Criteria: Invitae Variant Classification Sherloc (09022015). Collection method: clinical testing. Allele origin: germline.
Comment: This sequence change replaces serine with threonine at codon 165 of the FANCA protein (p.Ser165Thr). The serine residue is weakly conserved and there is a small physicochemical difference between serine and threonine. This variant is not present in population databases (ExAC no frequency). This variant has not been reported in the literature in individuals affected with FANCA-related conditions. Algorithms developed to predict the effect of missense changes on protein structure and function output the following: SIFT: "Tolerated"; PolyPhen-2: "Benign"; Align-GVGD: "Class C0". The threonine amino acid residue is found in multiple mammalian species, which suggests that this missense change does not adversely affect protein function. In summary, the available evidence is currently insufficient to determine the role of this variant in disease. Therefore, it has been classified as a Variant of Uncertain Significance.

NM_000135.4(FANCA):c.493T>A (p.Ser165Thr)

Gene: FANCA (FA complementation group A; minus strand). Cytogenetic location: 16q24.3.
Variant type: single nucleotide variant.
Coding change: c.493T>A on transcript NM_000135.4 (MANE Select); coding-DNA position 493, T replaced by A.
Protein change: p.Ser165Thr; replaces serine 165 with threonine.
Molecular consequence: missense variant. On other transcripts: intron variant (1).
Genome position (GRCh38, 1-based): chr16:89,810,736, A>T on the plus strand (T>A on the coding strand, the complement: FANCA is on the minus strand). VCF-style: chr16-89810736-A-T. GRCh37 (hg19) VCF-style: chr16-89877144-A-T.
Other names: c.493T>A, p.Ser165Thr (NM_001018112.3, NM_001286167.3); c.426+193T>A (NM_001351830.2); short protein forms S165T.
Identifiers: ClinVar variation 956512 (VCV000956512.8), dbSNP rs113468465, ClinGen allele CA397480702.
Genomic context (GRCh38, chr16:89,810,736, plus strand): 5'-TGGAGAGTCAGATTTGCAATCTCAAATTTACCTGTATTTTCCATAATTCTTGACAGAAGG[A>T]AAGACGGGAGAACATACTGTGTGCCAATAAATACTGAGCAAACTCTAACAGGGAAGACAG-3'
Protein context (NP_000126.2, residues 155-175): LLAHSMFSRL[Ser165Thr]FCQELWKIQS